The following is an entry in ClinVar:

ClinVar aggregate classification (germline): Uncertain significance. Review status: criteria provided, multiple submitters, no conflicts (2 of 4 stars). 3 submissions from 3 submitters: Uncertain significance (3). Last evaluated 2025-11-16.

Conditions:
Long QT syndrome 1 (LQT1). Identifiers: Orphanet 101016, Orphanet 768, MedGen C4551647, MONDO:0100316, OMIM 192500, MONDO:0008646.
Cardiovascular phenotype. Identifiers: MedGen CN230736.

Allele frequency attached by ClinVar (database versions not stated): gnomAD exomes below 0.00001 and 0.00001; TOPMed below 0.00001; ExAC 0.00001; gnomAD 0.00001.
gnomAD v4.1: 18 of 1,613,134 alleles (0.0011%); highest among the groups gnomAD compares: Non-Finnish European, 0.00025%; no homozygotes.

Submissions (3):

Labcorp Genetics (formerly Invitae), Labcorp
Classification: Uncertain significance for Long QT syndrome 1. Last evaluated: 2025-11-16. Review status: criteria provided, single submitter. Criteria: Invitae Variant Classification Sherloc (09022015). Collection method: clinical testing. Allele origin: germline.
Comment: This sequence change replaces threonine, which is neutral and polar, with isoleucine, which is neutral and non-polar, at codon 35 of the CALM2 protein (p.Thr35Ile). This variant is present in population databases (rs757523692, gnomAD 0.01%). This variant has not been reported in the literature in individuals affected with CALM2-related conditions. ClinVar contains an entry for this variant (Variation ID: 970445). An algorithm developed to predict the effect of missense changes on protein structure and function (PolyPhen-2) suggests that this variant is likely to be disruptive. In summary, the available evidence is currently insufficient to determine the role of this variant in disease. Therefore, it has been classified as a Variant of Uncertain Significance.

Ambry Genetics
Classification: Uncertain significance for Cardiovascular phenotype. Last evaluated: 2023-05-30. Review status: criteria provided, single submitter. Criteria: Ambry Variant Classification Scheme 2023. Collection method: clinical testing. Allele origin: germline.
Comment: The p.T35I variant (also known as c.104C>T), located in coding exon 3 of the CALM2 gene, results from a C to T substitution at nucleotide position 104. The threonine at codon 35 is replaced by isoleucine, an amino acid with similar properties. This amino acid position is highly conserved in available vertebrate species. In addition, this alteration is predicted to be deleterious by in silico analysis. Since supporting evidence is limited at this time, the clinical significance of this alteration remains unclear.

GeneDx
Classification: Uncertain significance. Last evaluated: 2022-07-28. Review status: criteria provided, single submitter. Criteria: GeneDx Variant Classification Process June 2021. Collection method: clinical testing. Allele origin: germline. Affected: yes.
Comment: Has not been previously published as pathogenic or benign to our knowledge; In silico analysis supports that this missense variant has a deleterious effect on protein structure/function; Not observed at significant frequency in large population cohorts (gnomAD)

NM_001743.6(CALM2):c.104C>T (p.Thr35Ile)

Gene: CALM2 (calmodulin 2; minus strand). Cytogenetic location: 2p21.
Variant type: single nucleotide variant.
Coding change: c.104C>T on transcript NM_001743.6 (MANE Select); coding-DNA position 104, C replaced by T.
Protein change: p.Thr35Ile; replaces threonine 35 with isoleucine.
Molecular consequence: missense variant. On other transcripts: 5 prime UTR variant (2).
Genome position (GRCh38, 1-based): chr2:47,162,593, G>A on the plus strand (C>T on the coding strand, the complement: CALM2 is on the minus strand). VCF-style: chr2-47162593-G-A. GRCh37 (hg19) VCF-style: chr2-47389732-G-A.
Other names: c.248C>T, p.Thr83Ile (NM_001305624.1); c.-5C>T (NM_001305625.2, NM_001305626.1); short protein forms T35I, T83I.
Identifiers: ClinVar variation 970445 (VCV000970445.14), dbSNP rs757523692, ClinGen allele CA1648594.